The following is an entry in ClinVar:

NM_032638.5(GATA2):c.1372C>T (p.Pro458Ser)

Gene: GATA2 (GATA binding protein 2; minus strand). Cytogenetic location: 3q21.3.
Variant type: single nucleotide variant.
Coding change: c.1372C>T on transcript NM_032638.5 (MANE Select); coding-DNA position 1372, C replaced by T.
Protein change: p.Pro458Ser; replaces proline 458 with serine.
Molecular consequence: missense variant.
Genome position (GRCh38, 1-based): chr3:128,481,090, G>A on the plus strand (C>T on the coding strand, the complement: GATA2 is on the minus strand). VCF-style: chr3-128481090-G-A. GRCh37 (hg19) VCF-style: chr3-128199933-G-A.
Other names: c.1372C>T, p.Pro458Ser (NM_001145661.2); c.1330C>T, p.Pro444Ser (NM_001145662.1); short protein forms P458S, P444S.
Identifiers: ClinVar variation 472445 (VCV000472445.8), dbSNP rs1169516070, ClinGen allele CA354412602.

ClinVar aggregate classification (germline): Uncertain significance (1 of 4 stars; one submission).

Conditions:
Monocytopenia with susceptibility to infections. Also called: MONOCYTOPENIA AND MYCOBACTERIAL INFECTION SYNDROME; MONOCYTOPENIA WITH SUSCEPTIBILITY TO MYCOBACTERIAL, FUNGAL, AND PAPILLOMAVIRUS INFECTIONS AND MYELODYSPLASIA; COMBINED IMMUNODEFICIENCY WITH SUSCEPTIBILITY TO MYCOBACTERIAL, VIRAL, AND FUNGAL INFECTIONS; Dendritic cell, monocyte, B lymphocyte, and natural killer lymphocyte deficiency; IMMUNODEFICIENCY 21; GATA2 DEFICIENCY. Identifiers: Orphanet 228423, MedGen C3280030, MONDO:0013607, OMIM 614172.
Deafness-lymphedema-leukemia syndrome. Also called: Lymphedema, primary, with myelodysplasia; Emberger syndrome. Identifiers: Orphanet 3226, MedGen C3279664, MONDO:0013540, OMIM 614038.

Allele frequency attached by ClinVar (database versions not stated): gnomAD exomes below 0.00001.

Submission:

Labcorp Genetics (formerly Invitae), Labcorp
Classification: Uncertain significance for Monocytopenia with susceptibility to infections; Deafness-lymphedema-leukemia syndrome. Last evaluated: 2017-06-15. Review status: criteria provided, single submitter. Criteria: Invitae Variant Classification Sherloc (09022015). Collection method: clinical testing. Allele origin: germline.
Comment: In summary, this variant has uncertain impact on GATA2 function. The available evidence is currently insufficient to determine its role in disease. Therefore, it has been classified as a Variant of Uncertain Significance. Algorithms developed to predict the effect of missense changes on protein structure and function do not agree on the potential impact of this missense change (SIFT: "Tolerated"; PolyPhen-2: "Probably Damaging"; Align-GVGD: "Class C0"). This variant has not been reported in the literature in individuals with a GATA2-related disease. This variant is not present in population databases (ExAC no frequency). This sequence change replaces proline with serine at codon 458 of the GATA2 protein (p.Pro458Ser). The proline residue is moderately conserved and there is a moderate physicochemical difference between proline and serine.